The following is an entry in ClinVar:

NM_000059.4(BRCA2):c.1507A>T (p.Lys503Ter)

Gene: BRCA2 (BRCA2 DNA repair associated; plus strand). Cytogenetic location: 13q13.1.
Variant type: single nucleotide variant.
Coding change: c.1507A>T on transcript NM_000059.4 (MANE Select); coding-DNA position 1507, A replaced by T.
Protein change: p.Lys503Ter; replaces lysine 503 with a stop codon.
Molecular consequence: nonsense.
Genome position (GRCh38, 1-based): chr13:32,332,985, A>T. VCF-style: chr13-32332985-A-T. GRCh37 (hg19) VCF-style: chr13-32907122-A-T.
Other names: short protein forms K503*.
Identifiers: ClinVar variation 1195872 (VCV001195872.5), dbSNP rs2137472200, ClinGen allele CA387764511.
Genomic context (GRCh38, chr13:32,332,985, plus strand): 5'-GCAGTAAAGCAGGCAATATCTGGAACTTCTCCAGTGGCTTCTTCATTTCAGGGTATCAAA[A>T]AGTCTATATTCAGAATAAGAGAATCACCTAAAGAGACTTTCAATGCAAGTTTTTCAGGTC-3'

ClinVar aggregate classification (germline): Pathogenic. Review status: criteria provided, single submitter (1 of 4 stars). 2 submissions from 2 submitters: Pathogenic (1). 1 of the submissions does not count toward it. Last evaluated 2024-05-16.

Conditions:
Breast carcinoma. Also called: Carcinoma of breast. Identifiers: MedGen C0678222, MONDO:0004989, HP:0003002.
Breast-ovarian cancer, familial, susceptibility to, 2 (BROVCA2). Also called: BRCA2 Hereditary Breast and Ovarian Cancer. Identifiers: Orphanet 145, MedGen C2675520, MONDO:0012933, OMIM 612555. Disease mechanism: loss of function.

Submissions (2):

Myriad Genetics, Inc.
Classification: Pathogenic for Breast-ovarian cancer, familial, susceptibility to, 2. Last evaluated: 2024-05-16. Review status: criteria provided, single submitter. Criteria: Myriad Autosomal Dominant, Autosomal Recessive and X-Linked Classification Criteria (2023). Collection method: clinical testing. Allele origin: unknown.
Comment: This variant is considered pathogenic. This variant creates a termination codon and is predicted to result in premature protein truncation.

Medical Genetics Laboratory, Umraniye Training and Research Hospital, University of Health Sciences
Classification: Pathogenic for Breast carcinoma. Last evaluated: 2021-08-10. Review status: no assertion criteria provided. Collection method: clinical testing. Allele origin: germline. Affected: yes. Observed: 1 variant allele, 1 heterozygote. Not counted in ClinVar's aggregate classification.
Comment: Invasive breast Carcinoma ER: + , PR: + , HER2: 0, KI67:38%